The following is an entry in ClinVar:

NM_001261826.3(AP3D1):c.853G>T (p.Ala285Ser)

Gene: AP3D1 (adaptor related protein complex 3 subunit delta 1; minus strand). Cytogenetic location: 19p13.3.
Variant type: single nucleotide variant.
Coding change: c.853G>T on transcript NM_001261826.3 (MANE Select); coding-DNA position 853, G replaced by T.
Protein change: p.Ala285Ser; replaces alanine 285 with serine.
Molecular consequence: missense variant.
Genome position (GRCh38, 1-based): chr19:2,127,155, C>A on the plus strand (G>T on the coding strand, the complement: AP3D1 is on the minus strand). VCF-style: chr19-2127155-C-A. GRCh37 (hg19) VCF-style: chr19-2127154-C-A.
Other names: p.Ala285Ser; c.853G>T, p.Ala285Ser (NM_001374799.1, NM_003938.8); short protein forms A285S.
Identifiers: ClinVar variation 3300750 (VCV003300750.2).

ClinVar aggregate classification (germline): Uncertain significance. Review status: criteria provided, multiple submitters, no conflicts (2 of 4 stars). 2 submissions from 2 submitters: Uncertain significance (2). Last evaluated 2025-10-22.

Conditions:
Inborn genetic diseases. Identifiers: MedGen C0950123, MeSH D030342.

gnomAD v4.1: 2 of 1,614,024 alleles (0.00012%); highest among the groups gnomAD compares: Middle Eastern, 0.016%; no homozygotes.

Submissions (2):

Mayo Clinic Laboratories, Mayo Clinic
Classification: Uncertain significance. Last evaluated: 2025-10-22. Review status: criteria provided, single submitter. Criteria: ACMG Guidelines, 2015. Collection method: clinical testing. Allele origin: germline. Observed: 1 variant allele.
Comment: BP4_moderate, PM2_supporting

Ambry Genetics
Classification: Uncertain significance for Inborn genetic diseases. Last evaluated: 2024-04-22. Review status: criteria provided, single submitter. Criteria: Ambry Variant Classification Scheme 2023. Collection method: clinical testing. Allele origin: germline.